The following is an entry in ClinVar:

ClinVar aggregate classification (germline): Benign (0 of 4 stars; one submission).

Conditions:
XIRP2-related disorder. Also called: XIRP2-related condition.

Allele frequency attached by ClinVar (database versions not stated): gnomAD exomes 0.12279; ExAC 0.14773; ESP Exome Variant Server 0.16485; gnomAD 0.17194; TOPMed 0.17451; 1000 Genomes Project 30x 0.19722; 1000 Genomes Project 0.19748.
gnomAD v4.1: 206,315 of 1,613,584 alleles (13%); highest among the groups gnomAD compares: African/African-American, 30%; 15,222 homozygotes.

Submission:

PreventionGenetics, part of Exact Sciences
Classification: Benign for XIRP2-related condition. Last evaluated: 2019-11-06. Review status: no assertion criteria provided. Collection method: clinical testing. Allele origin: germline.
Comment: This variant is classified as benign based on ACMG/AMP sequence variant interpretation guidelines (Richards et al. 2015 PMID: 25741868, with internal and published modifications).

NM_152381.6(XIRP2):c.5402G>A (p.Arg1801His)

Gene: XIRP2 (xin actin binding repeat containing 2; plus strand). Cytogenetic location: 2q24.3.
Variant type: single nucleotide variant.
Coding change: c.5402G>A on transcript NM_152381.6 (MANE Select); coding-DNA position 5402, G replaced by A.
Protein change: p.Arg1801His; replaces arginine 1801 with histidine.
Molecular consequence: missense variant. On other transcripts: intron variant (3).
Genome position (GRCh38, 1-based): chr2:167,246,794, G>A. VCF-style: chr2-167246794-G-A. GRCh37 (hg19) VCF-style: chr2-168103304-G-A.
Other names: c.4736G>A, p.Arg1579His (NM_001199144.2); c.1275+4884G>A (NM_001199143.2); c.1176+4884G>A (NM_001079810.4); c.510+4884G>A (NM_001199145.2); short protein forms R1579H, R1801H.
Identifiers: ClinVar variation 3056310 (VCV003056310.2), dbSNP rs16853309, ClinGen allele CA1947211.